The following is an entry in ClinVar:

ClinVar aggregate classification (germline): Conflicting classifications of pathogenicity. Review status: criteria provided, conflicting classifications (1 of 4 stars). 9 submissions from 9 submitters: Uncertain significance (6); Likely benign (3). Last evaluated 2026-09-04.

Conditions:
History of neurodevelopmental disorder. Identifiers: MedGen C2711754.
Hereditary spastic paraplegia 30. Identifiers: Orphanet 101010, MedGen C5235139, MONDO:0012476.
Neuropathy, hereditary sensory, type 2C. Also called: Hereditary sensory and autonomic neuropathy type IIC; KIF1A-Related HSAN2 (HSAN2C). Identifiers: Orphanet 970, MedGen C3280168, MONDO:0013634, OMIM 614213.
Intellectual disability, autosomal dominant 9 (NESCAVS). Also called: NESCAV SYNDROME; KIF1A-Related Neurodevelopmental Disorder. Identifiers: Orphanet 662367, MedGen C5393830, MONDO:0013656, OMIM 614255.
KIF1A-related disorder. Also called: KIF1A-related disorders; KIF1A-related condition.
Neuropathy, hereditary sensory and autonomic, type 2A (HSAN2A). Also called: MORVAN DISEASE; NEUROPATHY, CONGENITAL SENSORY; NEUROPATHY, HEREDITARY SENSORY RADICULAR, AUTOSOMAL RECESSIVE; NEUROPATHY, HEREDITARY SENSORY, TYPE IIA; NEUROPATHY, PROGRESSIVE SENSORY, OF CHILDREN; HSAN IIA. Identifiers: Orphanet 970, MedGen C2752089, MONDO:0024309, OMIM 201300.

Allele frequency attached by ClinVar (database versions not stated): gnomAD 0.00006; TOPMed 0.00018; ExAC 0.00023; ESP Exome Variant Server 0.00032.
gnomAD v4.1: 301 of 1,611,390 alleles (0.019%); highest among the groups gnomAD compares: Admixed American, 0.079%; no homozygotes.

Submissions (9):

GeneDx
Classification: Uncertain significance. Last evaluated: 2026-09-04. Review status: criteria provided, single submitter. Criteria: GeneDx Variant Classification Process June 2021. Collection method: clinical testing. Allele origin: germline.
Comment: Reported as a heterozygous variant of uncertain significance in a patient with ALS in the published literature; however, segregation information was not provided (PMID: 39076207); In silico analysis suggests that this missense variant does not alter protein structure/function; In silico analysis suggests this variant may impact gene splicing. In the absence of RNA/functional studies, the actual effect of this sequence change is unknown.; This variant is associated with the following publications: (PMID: 39076207)

PreventionGenetics, part of Exact Sciences
Classification: Likely benign for KIF1A-related condition. Last evaluated: 2026-06-16. Review status: criteria provided, single submitter. Criteria: ACMG Guidelines, 2015. Collection method: clinical testing. Allele origin: germline.
Comment: This variant is classified as likely benign based on ACMG/AMP sequence variant interpretation guidelines (Richards et al. 2015 PMID: 25741868, with internal and published modifications).

Labcorp Genetics (formerly Invitae), Labcorp
Classification: Likely benign for Hereditary spastic paraplegia 30; Neuropathy, hereditary sensory, type 2C; Intellectual disability, autosomal dominant 9. Last evaluated: 2026-02-03. Review status: criteria provided, single submitter. Criteria: Invitae Variant Classification Sherloc (09022015). Collection method: clinical testing. Allele origin: germline.

CeGaT Center for Human Genetics Tuebingen
Classification: Likely benign. Last evaluated: 2025-04-01. Review status: criteria provided, single submitter. Criteria: CeGaT Center For Human Genetics Tuebingen Variant Classification Criteria Version 2. Collection method: clinical testing. Allele origin: germline. Affected: yes. Observed: 2 variant alleles.
Comment: KIF1A: PP2, BP4, BS2

Mayo Clinic Laboratories, Mayo Clinic
Classification: Uncertain significance. Last evaluated: 2023-07-26. Review status: criteria provided, single submitter. Criteria: ACMG Guidelines, 2015. Collection method: clinical testing. Allele origin: germline. Observed: 1 variant allele.
Comment: BP4

Fulgent Genetics
Classification: Uncertain significance for Neuropathy, hereditary sensory and autonomic, type 2A; Spastic paraplegia 30A, autosomal dominant; Neuropathy, hereditary sensory, type 2C; Intellectual disability, autosomal dominant 9. Last evaluated: 2018-10-31. Review status: criteria provided, single submitter. Criteria: ACMG Guidelines, 2015. Collection method: clinical testing. Allele origin: unknown.

Athena Diagnostics
Classification: Uncertain significance. Last evaluated: 2018-05-08. Review status: criteria provided, single submitter. Criteria: Athena Diagnostics Criteria. Collection method: clinical testing. Allele origin: germline.

ARUP Laboratories, Molecular Genetics and Genomics, ARUP Laboratories
Classification: Uncertain significance. Last evaluated: 2017-07-06. Review status: criteria provided, single submitter. Criteria: ARUP Molecular Germline Variant Investigation Process. Collection method: clinical testing. Allele origin: germline.
Comment: The p.Arg1551Gln variant (rs376658420) has not been reported in the medical literature and is not listed in gene-specific variant databases. It is listed in the Genome Aggregation Database (gnomAD) browser with a frequency in Latino populations of 0.082% (identified in 28 out of 34,234 chromosomes). The arginine at codon 1551 is moderately conserved considering 13 species (Alamut software v2.9), and computational analyses suggest this variant does not have a significant effect on KIF1A protein structure/function (SIFT: tolerated, PolyPhen2: benign, and Mutation Taster: polymorphism). However, based on the available information, the clinical significance of the p.Arg1551Gln variant cannot be determined with certainty.

Ambry Genetics
Classification: Uncertain significance for History of neurodevelopmental disorder. Last evaluated: 2017-03-22. Review status: criteria provided, single submitter. Criteria: Ambry Autosomal Dominant and X-Linked criteria (3/2017). Collection method: clinical testing. Allele origin: germline. Observed: 1 variant allele.
Comment: The p.R1551Q variant (also known as c.4652G>A), located in coding exon 43 of the KIF1A gene, results from a G to A substitution at nucleotide position 4652. The arginine at codon 1551 is replaced by glutamine, an amino acid with highly similar properties. This amino acid position is not well conserved in available vertebrate species. In addition, this alteration is predicted to be tolerated by in silico analysis. Since supporting evidence is limited at this time, the clinical significance of this alteration remains unclear.

NM_001244008.2(KIF1A):c.4955G>A (p.Arg1652Gln)

Gene: KIF1A (kinesin family member 1A; minus strand). Cytogenetic location: 2q37.3.
Variant type: single nucleotide variant.
Coding change: c.4955G>A on transcript NM_001244008.2 (MANE Select); coding-DNA position 4955, G replaced by A.
Protein change: p.Arg1652Gln; replaces arginine 1652 with glutamine.
Molecular consequence: missense variant.
Genome position (GRCh38, 1-based): chr2:240,719,840, C>T on the plus strand (G>A on the coding strand, the complement: KIF1A is on the minus strand). VCF-style: chr2-240719840-C-T. GRCh37 (hg19) VCF-style: chr2-241659257-C-T.
Other names: c.4679G>A, p.Arg1560Gln (NM_001320705.2, NM_001379649.1); c.4706G>A, p.Arg1569Gln (NM_001330289.2); c.4754G>A, p.Arg1585Gln (NM_001330290.2, NM_001379648.1); c.5030G>A, p.Arg1677Gln (NM_001379631.1); c.4931G>A, p.Arg1644Gln (NM_001379632.1); c.4928G>A, p.Arg1643Gln (NM_001379633.1, NM_001379645.1); c.4781G>A, p.Arg1594Gln (NM_001379634.1); c.4778G>A, p.Arg1593Gln (NM_001379635.1, NM_001379646.1); and 8 more; short protein forms R1551Q, R1652Q, R1560Q, R1585Q, R1569Q, R1550Q, R1559Q, R1568Q.
Identifiers: ClinVar variation 447657 (VCV000447657.52), dbSNP rs376658420, ClinGen allele CA2207239.